The following is an entry in ClinVar:

NM_001365536.1(SCN9A):c.258+1G>A

Gene: SCN9A (sodium voltage-gated channel alpha subunit 9; minus strand). Cytogenetic location: 2q24.3.
Variant type: single nucleotide variant.
Coding change: c.258+1G>A on transcript NM_001365536.1 (MANE Select); the canonical splice donor site of the intron after coding-DNA position 258, G replaced by A.
Molecular consequence: splice donor variant.
Genome position (GRCh38, 1-based): chr2:166,311,498, C>T on the plus strand (G>A on the coding strand, the complement: SCN9A is on the minus strand). VCF-style: chr2-166311498-C-T. GRCh37 (hg19) VCF-style: chr2-167168008-C-T.
Other names: c.258+1G>A (NM_002977.4).
Identifiers: ClinVar variation 471100 (VCV000471100.43), dbSNP rs755067851, ClinGen allele CA1944858.

ClinVar aggregate classification (germline): Pathogenic/Likely pathogenic. Review status: criteria provided, multiple submitters, no conflicts (2 of 4 stars). 2 submissions from 2 submitters: Pathogenic (1); Likely pathogenic (1). Last evaluated 2024-12-31.

Conditions:
Neuropathy, hereditary sensory and autonomic, type 2A (HSAN2A). Also called: WNK1-Related HSAN2 (HSAN2A); MORVAN DISEASE; NEUROPATHY, CONGENITAL SENSORY; NEUROPATHY, HEREDITARY SENSORY RADICULAR, AUTOSOMAL RECESSIVE; NEUROPATHY, HEREDITARY SENSORY, TYPE IIA; NEUROPATHY, PROGRESSIVE SENSORY, OF CHILDREN. Identifiers: Orphanet 970, MedGen C2752089, MONDO:0024309, OMIM 201300.
Generalized epilepsy with febrile seizures plus, type 7 (GEFSP7). Also called: GEFS+, TYPE 7. Identifiers: Orphanet 36387, MedGen C2751778, MONDO:0013470, OMIM 613863.

Allele frequency attached by ClinVar (database versions not stated): gnomAD exomes below 0.00001 and 0.00001; ExAC 0.00001; gnomAD 0.00001; TOPMed 0.00001.
gnomAD v4.1: 10 of 1,546,360 alleles (0.00065%); highest among the groups gnomAD compares: East Asian, 0.0045%; no homozygotes.

Submissions (2):

Labcorp Genetics (formerly Invitae), Labcorp
Classification: Likely pathogenic for Neuropathy, hereditary sensory and autonomic, type 2A; Generalized epilepsy with febrile seizures plus, type 7. Last evaluated: 2024-12-31. Review status: criteria provided, single submitter. Criteria: Invitae Variant Classification Sherloc (09022015). Collection method: clinical testing. Allele origin: germline.
Comment: This sequence change affects a donor splice site in intron 2 of the SCN9A gene. It is expected to disrupt RNA splicing. Variants that disrupt the donor or acceptor splice site typically lead to a loss of protein function (PMID: 16199547), and loss-of-function variants in SCN9A are known to be pathogenic (PMID: 17470132, 19304393). This variant is present in population databases (rs755067851, gnomAD 0.006%). This variant has not been reported in the literature in individuals affected with SCN9A-related conditions. ClinVar contains an entry for this variant (Variation ID: 471100). Algorithms developed to predict the effect of sequence changes on RNA splicing suggest that this variant may disrupt the consensus splice site. In summary, the currently available evidence indicates that the variant is pathogenic, but additional data are needed to prove that conclusively. Therefore, this variant has been classified as Likely Pathogenic.

CeGaT Center for Human Genetics Tuebingen
Classification: Pathogenic. Last evaluated: 2020-11-01. Review status: criteria provided, single submitter. Criteria: CeGaT Center For Human Genetics Tuebingen Variant Classification Criteria Version 2. Collection method: clinical testing. Allele origin: germline. Affected: yes. Observed: 1 variant allele.

Literature cited by the submitters: PubMed 16199547 (cited by Labcorp Genetics (formerly Invitae), Labcorp); PubMed 17470132 (cited by Labcorp Genetics (formerly Invitae), Labcorp); PubMed 19304393 (cited by Labcorp Genetics (formerly Invitae), Labcorp).